The following is an entry in ClinVar:

ClinVar aggregate classification (germline): Likely benign (1 of 4 stars; one submission).

Conditions:
PCSK1-related disorder. Also called: PCSK1-related condition.

Submission:

PreventionGenetics, part of Exact Sciences
Classification: Likely benign for PCSK1-related condition. Last evaluated: 2026-07-15. Review status: criteria provided, single submitter. Criteria: ACMG Guidelines, 2015. Collection method: clinical testing. Allele origin: germline.
Comment: This variant is classified as likely benign based on ACMG/AMP sequence variant interpretation guidelines (Richards et al. 2015 PMID: 25741868, with internal and published modifications).

NM_000439.5(PCSK1):c.492C>G (p.Thr164=)

Genes: CAST (calpastatin; plus strand), PCSK1 (proprotein convertase subtilisin/kexin type 1; minus strand), LOC101929710 (uncharacterized LOC101929710; plus strand). Cytogenetic location: 5q15.
Variant type: single nucleotide variant.
Coding change: c.492C>G on transcript NM_000439.5 (MANE Select); coding-DNA position 492, C replaced by G.
Protein change: p.Thr164=; no amino-acid change (threonine 164 retained).
Molecular consequence: synonymous variant. On other transcripts: intron variant (11).
Genome position (GRCh38, 1-based): chr5:96,423,364, G>C on the plus strand (C>G on the coding strand, the complement: PCSK1 is on the minus strand). VCF-style: chr5-96423364-G-C. GRCh37 (hg19) VCF-style: chr5-95759068-G-C.
Other names: c.-175+43712G>C (NM_001423256.1, NM_001423252.1, NM_001423257.1 and 6 more transcripts); c.-40+43712G>C (NM_001423258.1); c.351C>G, p.Thr117= (NM_001177875.2); c.-103+43712G>C (NM_001423253.1).
Identifiers: ClinVar variation 4995082 (VCV004995082.1).